The following is an entry in ClinVar:

NM_018076.5(ODAD2):c.820-18A>G

Gene: ODAD2 (outer dynein arm docking complex subunit 2; minus strand). Cytogenetic location: 10p12.1.
Variant type: single nucleotide variant.
Coding change: c.820-18A>G on transcript NM_018076.5 (MANE Select); 18 bases into the intron before coding-DNA position 820, A replaced by G.
Molecular consequence: intron variant.
Genome position (GRCh38, 1-based): chr10:27,981,600, T>C on the plus strand (A>G on the coding strand, the complement: ODAD2 is on the minus strand). VCF-style: chr10-27981600-T-C. GRCh37 (hg19) VCF-style: chr10-28270529-T-C.
Other names: c.820-18A>G (NM_001290020.2); c.-105-18A>G (NM_001312689.2); c.-304-18A>G (NM_001290021.2).
Identifiers: ClinVar variation 3640056 (VCV003640056.2).

ClinVar aggregate classification (germline): Uncertain significance (1 of 4 stars; one submission).

Conditions:
Primary ciliary dyskinesia 23 (CILD23). Also called: CILIARY DYSKINESIA, PRIMARY, 23, WITH OR WITHOUT SITUS INVERSUS. Identifiers: Orphanet 244, MedGen C3809548, MONDO:0014193, OMIM 615451.

Submission:

Labcorp Genetics (formerly Invitae), Labcorp
Classification: Uncertain significance for Primary ciliary dyskinesia 23. Last evaluated: 2024-02-27. Review status: criteria provided, single submitter. Criteria: Invitae Variant Classification Sherloc (09022015). Collection method: clinical testing. Allele origin: germline.
Comment: This sequence change falls in intron 6 of the ARMC4 gene. It does not directly change the encoded amino acid sequence of the ARMC4 protein. This variant is not present in population databases (gnomAD no frequency). This variant has not been reported in the literature in individuals affected with ARMC4-related conditions. Algorithms developed to predict the effect of sequence changes on RNA splicing suggest that this variant may disrupt the consensus splice site. In summary, the available evidence is currently insufficient to determine the role of this variant in disease. Therefore, it has been classified as a Variant of Uncertain Significance.